The following is an entry in ClinVar:

NM_001366145.2(TRPM3):c.1474G>A (p.Asp492Asn)

Gene: TRPM3 (transient receptor potential cation channel subfamily M member 3; minus strand). Cytogenetic location: 9q21.12.
Variant type: single nucleotide variant.
Coding change: c.1474G>A on transcript NM_001366145.2 (MANE Select); coding-DNA position 1474, G replaced by A.
Protein change: p.Asp492Asn; replaces aspartic acid 492 with asparagine.
Molecular consequence: missense variant.
Genome position (GRCh38, 1-based): chr9:70,639,167, C>T on the plus strand (G>A on the coding strand, the complement: TRPM3 is on the minus strand). VCF-style: chr9-70639167-C-T. GRCh37 (hg19) VCF-style: chr9-73254083-C-T.
Other names: c.1474G>A, p.Asp492Asn (NM_001007471.4, NM_001366146.2, NM_001366149.2 and 2 more transcripts); c.1480G>A, p.Asp494Asn (NM_001366141.2, NM_001366142.2, NM_001366143.2); c.1549G>A, p.Asp517Asn (NM_001366147.2, NM_001366148.2, NM_001366152.2); c.1015G>A, p.Asp339Asn (NM_001366154.2, NM_020952.6, NM_024971.7 and 2 more transcripts); c.1090G>A, p.Asp364Asn (NM_206946.5, NM_206947.5); short protein forms D339N, D364N, D492N, D494N, D517N.
Identifiers: ClinVar variation 3235719 (VCV003235719.1), dbSNP rs2539756977, ClinGen allele CA373562503.

ClinVar aggregate classification (germline): Uncertain significance (1 of 4 stars; one submission).

Submission:

Greenwood Genetic Center Diagnostic Laboratories, Greenwood Genetic Center
Classification: Uncertain significance. Last evaluated: 2024-02-06. Review status: criteria provided, single submitter. Criteria: ACMG Guidelines, 2015. Collection method: clinical testing. Allele origin: germline. Affected: yes.
Comment: PM2